The following is an entry in ClinVar:

NM_175914.5(HNF4A):c.*3018G>A

Gene: HNF4A (hepatocyte nuclear factor 4 alpha; plus strand). Cytogenetic location: 20q13.12.
Variant type: single nucleotide variant.
Coding change: c.*3018G>A on transcript NM_175914.5 (MANE Select); 3018 bases downstream of the stop codon, G replaced by A.
Molecular consequence: 3 prime UTR variant.
Genome position (GRCh38, 1-based): chr20:44,432,683, G>A. VCF-style: chr20-44432683-G-A. GRCh37 (hg19) VCF-style: chr20-43061323-G-A.
Other names: c.*3018G>A (NM_000457.6, NM_001030003.3, NM_001258355.2 and 3 more transcripts).
Identifiers: ClinVar variation 338491 (VCV000338491.6), dbSNP rs533361991, ClinGen allele CA10643918.
Genomic context (GRCh38, chr20:44,432,683, plus strand): 5'-AAGATGAATTGTGAAATTTACATCAAGCAATTATCAAAGCGGGCTGGGTCCCATCAGAAC[G>A]ACCCACATCTTTCTGTGGGTGTGAATGTCATTAGGTCTTGCGCTGACCCCTGAGCCCCCA-3'

ClinVar aggregate classification (germline): Conflicting classifications of pathogenicity. Review status: criteria provided, conflicting classifications (1 of 4 stars). 3 submissions from 2 submitters: Uncertain significance (1); Benign (2). Last evaluated 2018-01-13.

Conditions:
Familial hyperinsulinism. Also called: Congenital hyperinsulinism. Identifiers: Orphanet 276525, MedGen C3888018, MONDO:0017182. Disease mechanism: loss of function.
Maturity-onset diabetes of the young type 1. Also called: MILD JUVENILE DIABETES MELLITUS; MODY, type I; MODY type 1; Diabetes mellitus MODY type 1; MODY HNF4A related; HNF4A-Related Maturity-Onset Diabetes of the Young Type 1. Identifiers: Orphanet 552, MedGen C1852093, MONDO:0007452, OMIM 125850. Disease mechanism: loss of function.
Maturity-onset diabetes of the young (MODY). Also called: Maturity onset diabetes mellitus in young. Identifiers: Orphanet 552, MedGen C0342276, MONDO:0018911, HP:0004904.

Allele frequency attached by ClinVar (database versions not stated): gnomAD 0.00007 and 0.00015; TOPMed 0.00008; 1000 Genomes Project 30x 0.00031; 1000 Genomes Project 0.00040.

Submissions (3):

Illumina Laboratory Services, Illumina
Classification: Uncertain significance for Familial hyperinsulinism. Last evaluated: 2018-01-13. Review status: criteria provided, single submitter. Criteria: ICSL Variant Classification Criteria 13 December 2019. Collection method: clinical testing. Allele origin: germline.

Illumina Laboratory Services, Illumina
Classification: Benign for Maturity-onset diabetes of the young type 1. Last evaluated: 2018-01-13. Review status: criteria provided, single submitter. Criteria: ICSL Variant Classification Criteria 13 December 2019. Collection method: clinical testing. Allele origin: germline.
Comment: This variant was observed in the ICSL laboratory as part of a predisposition screen in an ostensibly healthy population. It had not been previously curated by ICSL or reported in the Human Gene Mutation Database (HGMD: prior to June 1st, 2018), and was therefore a candidate for classification through an automated scoring system. Utilizing variant allele frequency, disease prevalence and penetrance estimates, and inheritance mode, an automated score was calculated to assess if this variant is too frequent to cause the disease. Based on the score and internal cut-off values, a variant classified as benign is not then subjected to further curation. The score for this variant resulted in a classification of benign for this disease.

Clinical Genomics, Uppaluri K&H Personalized Medicine Clinic
Classification: Benign for Maturity-onset diabetes of the young. Review status: criteria provided, single submitter. Criteria: K & H Uppaluri Personalized Medicine Clinic Variant Classification & Assertion Criteria_Updated V.1. Collection method: research. Allele origin: unknown. Inheritance: Autosomal dominant inheritance.
Comment: Potent mutations in HNF4A are associated with poor insulin secretion in response to hyperglycemia. Associated with MODY1. Patients initially respond well to sulfonylureas but eventually become insulin dependent. However, more evidence is required to ascertain the role of this particular variant rs533361991 in MODY, yet.

Literature cited by the submitters: DOI 10.1159/000334532 (cited by Clinical Genomics, Uppaluri K&H Personalized Medicine Clinic); PubMed 18268044 (cited by Clinical Genomics, Uppaluri K&H Personalized Medicine Clinic); PubMed 17563455 (cited by Clinical Genomics, Uppaluri K&H Personalized Medicine Clinic); PubMed 32583173 (cited by Clinical Genomics, Uppaluri K&H Personalized Medicine Clinic); PubMed 35052457 (cited by Clinical Genomics, Uppaluri K&H Personalized Medicine Clinic); PubMed 35118593 (cited by Clinical Genomics, Uppaluri K&H Personalized Medicine Clinic).